The following is an entry in ClinVar:

ClinVar aggregate classification (germline): Uncertain significance. Review status: criteria provided, multiple submitters, no conflicts (2 of 4 stars). 3 submissions from 3 submitters: Uncertain significance (3). Last evaluated 2023-03-27.

Conditions:
Inborn genetic diseases. Identifiers: MedGen C0950123, MeSH D030342.
D-2-hydroxyglutaric aciduria 1 (D2HGA1). Identifiers: Orphanet 79315, MedGen C3152055, MONDO:0024554, OMIM 600721.

Allele frequency attached by ClinVar (database versions not stated): gnomAD exomes 0.00003; gnomAD 0.00005; TOPMed 0.00005; ExAC 0.00008.
gnomAD v4.1: 51 of 1,610,368 alleles (0.0032%); highest among the groups gnomAD compares: African/African-American, 0.0067%; no homozygotes.

Submissions (3):

Blueprint Genetics
Classification: Uncertain significance. Last evaluated: 2023-03-27. Review status: criteria provided, single submitter. Criteria: ACMG Guidelines, 2015. Collection method: clinical testing. Allele origin: germline.

Ambry Genetics
Classification: Uncertain significance for Inborn genetic diseases. Last evaluated: 2021-03-26. Review status: criteria provided, single submitter. Criteria: Ambry Variant Classification Scheme 2023. Collection method: clinical testing. Allele origin: germline.
Comment: The c.634C>T (p.R212W) alteration is located in exon 5 (coding exon 4) of the D2HGDH gene. This alteration results from a C to T substitution at nucleotide position 634, causing the arginine (R) at amino acid position 212 to be replaced by a tryptophan (W). The p.R212W alteration is predicted to be deleterious by in silico analysis. Based on insufficient or conflicting evidence, the clinical significance of this alteration remains unclear.

Illumina Laboratory Services, Illumina
Classification: Uncertain significance for D-2-hydroxyglutaric aciduria 1. Last evaluated: 2017-04-27. Review status: criteria provided, single submitter. Criteria: ICSL Variant Classification Criteria 13 December 2019. Collection method: clinical testing. Allele origin: germline.
Comment: This variant was observed as part of a predisposition screen in an ostensibly healthy population. A literature search was performed for the gene, cDNA change, and amino acid change (where applicable). Publications were found based on this search. However, the evidence from the literature, in combination with allele frequency data from public databases where available, was not sufficient to rule this variant in or out of causing disease. Therefore, this variant is classified as a variant of unknown significance.

Literature cited by the submitters: PubMed 26178471 (cited by Illumina Laboratory Services, Illumina).

NM_152783.5(D2HGDH):c.634C>T (p.Arg212Trp)

Gene: D2HGDH (D-2-hydroxyglutarate dehydrogenase; plus strand). Cytogenetic location: 2q37.3.
Variant type: single nucleotide variant.
Coding change: c.634C>T on transcript NM_152783.5 (MANE Select); coding-DNA position 634, C replaced by T.
Protein change: p.Arg212Trp; replaces arginine 212 with tryptophan.
Molecular consequence: missense variant. On other transcripts: non-coding transcript variant (1).
Genome position (GRCh38, 1-based): chr2:241,743,765, C>T. VCF-style: chr2-241743765-C-T. GRCh37 (hg19) VCF-style: chr2-242683180-C-T.
Other names: c.232C>T, p.Arg78Trp (NM_001287249.2); c.73C>T, p.Arg25Trp (NM_001352824.2); short protein forms R78W, R212W, R25W.
Identifiers: ClinVar variation 898352 (VCV000898352.7), dbSNP rs765328102, ClinGen allele CA2221721.
Genomic context (GRCh38, chr2:241,743,765, plus strand): 5'-TTAGGAGCCAAGGGCAGCTGCCACATCGGGGGAAACGTGGCAACCAACGCTGGAGGCCTG[C>T]GGTTTCTTCGATATGGCTCACTGCATGGGACTGTCCTGGGCCTGGAAGTGGTGAGCTGGG-3'
Protein context (NP_689996.4, residues 202-222): GNVATNAGGL[Arg212Trp]FLRYGSLHGT